The following is an entry in ClinVar:

NM_001378615.1(CC2D2A):c.4722_4725del (p.Ile1575fs)

Genes: CC2D2A (coiled-coil and C2 domain containing 2A; plus strand), FBXL5 (F-box and leucine rich repeat protein 5; minus strand). Cytogenetic location: 4p15.32.
Variant type: Deletion.
Coding change: c.4722_4725del on transcript NM_001378615.1 (MANE Select); coding-DNA positions 4722 to 4725, 4 bases deleted (AATT; older notation c.4722_4725delAATT).
Protein change: p.Ile1575fs; shifts the reading frame from isoleucine 1575.
Molecular consequence: frameshift variant.
Genome position (GRCh38, 1-based): chr4:15,601,284-15,601,287, AATT deleted; deleting any 4 consecutive bases within chr4:15,601,282-15,601,287 gives the same sequence; the c. name uses the placement nearest the transcript's 3' end. VCF-style (leftmost placement, unchanged base first): chr4-15601281-TTTAA-T. GRCh37 (hg19) VCF-style: chr4-15602904-TTTAA-T.
Other names: c.4722_4725del, p.Ile1575fs (NM_001080522.2); c.4575_4578del, p.Ile1526fs (NM_001378617.1); short protein forms I1526fs, I1575fs.
Identifiers: ClinVar variation 3748149 (VCV003748149.2).
Genomic context (GRCh38, chr4:15,601,281, plus strand): 5'-TGTTTTTTCCCTTCAGTTCTCTGGATTTCCTCTTCACATGCCTTATTCTGAAGTGAAGCC[TTTAA>T]TTGACGCTGTGTATAGTACTGGAGTACATAATATTGATGTTCCTAATGTTGAATTTGCTT-3'

ClinVar aggregate classification (germline): Pathogenic (1 of 4 stars; one submission).

Conditions:
Joubert syndrome. Also called: JOUBERT-BOLTSHAUSER SYNDROME; Familial aplasia of the vermis. Identifiers: Orphanet 475, MedGen C5979921, MONDO:0018772.
Meckel-Gruber syndrome. Also called: DYSENCEPHALIA SPLANCHNOCYSTICA; GRUBER SYNDROME; Dysencephalia splachnocystica. Identifiers: Orphanet 564, MedGen C0265215, MONDO:0018921.

Submission:

Labcorp Genetics (formerly Invitae), Labcorp
Classification: Pathogenic for Joubert syndrome; Meckel-Gruber syndrome. Last evaluated: 2025-10-28. Review status: criteria provided, single submitter. Criteria: Invitae Variant Classification Sherloc (09022015). Collection method: clinical testing. Allele origin: germline.
Comment: This sequence change creates a premature translational stop signal (p.Ile1575Thrfs*20) in the CC2D2A gene. While this is not anticipated to result in nonsense mediated decay, it is expected to disrupt the last 46 amino acid(s) of the CC2D2A protein. This variant is not present in population databases (gnomAD no frequency). This variant has not been reported in the literature in individuals affected with CC2D2A-related conditions. ClinVar contains an entry for this variant (Variation ID: 3748149). This variant disrupts a region of the CC2D2A protein in which other variant(s) (p.Ala1596Thr) have been determined to be pathogenic (PMID: 36319078; internal data). This suggests that this is a clinically significant region of the protein, and that variants that disrupt it are likely to be disease-causing. For these reasons, this variant has been classified as Pathogenic.

Literature cited by the submitters: PubMed 36319078.